The following is an entry in ClinVar:

NM_022124.6(CDH23):c.3221-7C>T

Genes: C10orf105 (chromosome 10 open reading frame 105; minus strand), CDH23 (cadherin related 23; plus strand). Cytogenetic location: 10q22.1.
Variant type: single nucleotide variant.
Coding change: c.3221-7C>T on transcript NM_022124.6 (MANE Select); 7 bases into the intron before coding-DNA position 3221, C replaced by T.
Molecular consequence: intron variant. On other transcripts: 3 prime UTR variant (2).
Genome position (GRCh38, 1-based): chr10:71,712,658, C>T. VCF-style: chr10-71712658-C-T. GRCh37 (hg19) VCF-style: chr10-73472415-C-T.
Other names: c.*3278G>A (NM_001164375.3, NM_001168390.2); c.3221-7C>T (NM_001171930.2).
Identifiers: ClinVar variation 798951 (VCV000798951.10), dbSNP rs776427467, ClinGen allele CA5544529.

ClinVar aggregate classification (germline): Likely benign. Review status: criteria provided, single submitter (1 of 4 stars). 3 submissions from 3 submitters: Likely benign (1). 2 of the submissions do not count toward it. Last evaluated 2024-08-08.

Conditions:
CDH23-related disorder. Also called: CDH23-related condition; CDH23-related disorders.
Usher syndrome type 1 (USH1). Also called: RETINITIS PIGMENTOSA AND CONGENITAL DEAFNESS. Identifiers: Orphanet 231169, Orphanet 886, MedGen C1568247, MONDO:0010168, OMIM 276900.

Allele frequency attached by ClinVar (database versions not stated): gnomAD 0.00001; TOPMed 0.00001.
gnomAD v4.1: 7 of 1,612,890 alleles (0.00043%); highest among the groups gnomAD compares: East Asian, 0.011%; no homozygotes.

Submissions (3):

Labcorp Genetics (formerly Invitae), Labcorp
Classification: Likely benign. Last evaluated: 2024-08-08. Review status: criteria provided, single submitter. Criteria: Invitae Variant Classification Sherloc (09022015). Collection method: clinical testing. Allele origin: germline.

PreventionGenetics, part of Exact Sciences
Classification: Likely benign for CDH23-related condition. Last evaluated: 2024-09-19. Review status: no assertion criteria provided. Collection method: clinical testing. Allele origin: germline. Not counted in ClinVar's aggregate classification.
Comment: This variant is classified as likely benign based on ACMG/AMP sequence variant interpretation guidelines (Richards et al. 2015 PMID: 25741868, with internal and published modifications).

Natera, Inc.
Classification: Uncertain significance for Usher syndrome type 1. Last evaluated: 2020-01-24. Review status: no assertion criteria provided. Collection method: clinical testing. Allele origin: germline. Not counted in ClinVar's aggregate classification.